The following is an entry in ClinVar:

ClinVar aggregate classification (germline): Pathogenic. Review status: reviewed by expert panel (3 of 4 stars). 11 submissions from 11 submitters: Pathogenic (1). 10 of the submissions do not count toward it. Last evaluated 2016-09-08.

Conditions:
Hereditary cancer-predisposing syndrome. Also called: Tumor predisposition; Neoplastic Syndromes, Hereditary; Hereditary Cancer Syndrome; Hereditary neoplastic syndrome. Identifiers: Orphanet 140162, MedGen C0027672, MeSH D009386, MONDO:0015356.
Breast neoplasm. Also called: Neoplasm of breast; Breast tumor; Neoplasm of the breast; Breast Neoplasms. Identifiers: MedGen C1458155, MeSH D001943, MONDO:0021100, HP:0100013. Disease mechanism: gain of function.
Hereditary breast ovarian cancer syndrome. Also called: Hereditary breast and ovarian cancer syndrome (HBOC); Hereditary breast and ovarian cancer syndrome; Hereditary breast and ovarian cancer; Hereditary breast and/or ovarian cancer syndrome; Breast and ovarian cancer; BRCA1- and BRCA2-Associated Hereditary Breast and Ovarian Cancer. Identifiers: Orphanet 145, MedGen C0677776, MeSH D061325, MONDO:0003582. Disease mechanism: loss of function.
Breast-ovarian cancer, familial, susceptibility to, 1 (BROVCA1). Also called: OVARIAN CANCER, SUSCEPTIBILITY TO; BRCA1 Hereditary Breast and Ovarian Cancer. Identifiers: Orphanet 145, MedGen C2676676, MONDO:0011450, OMIM 604370. Disease mechanism: loss of function.
Malignant tumor of breast. Also called: Malignant breast neoplasm; Cancer breast. Identifiers: MedGen C0006142, MONDO:0007254. Disease mechanism: loss of function.

Submissions (11):

Evidence-based Network for the Interpretation of Germline Mutant Alleles (ENIGMA)
Classification: Pathogenic for Breast-ovarian cancer, familial, susceptibility to, 1. Last evaluated: 2016-09-08. Review status: reviewed by expert panel. Criteria: ENIGMA BRCA1/2 Classification Criteria (2015). Collection method: curation. Allele origin: germline.
Comment: Variant allele predicted to encode a truncated non-functional protein.

Labcorp Genetics (formerly Invitae), Labcorp
Classification: Pathogenic for Hereditary breast ovarian cancer syndrome. Last evaluated: 2025-04-01. Review status: criteria provided, single submitter. Criteria: Invitae Variant Classification Sherloc (09022015). Collection method: clinical testing. Allele origin: germline. Not counted in ClinVar's aggregate classification.
Comment: This sequence change creates a premature translational stop signal (p.Gln687*) in the BRCA1 gene. It is expected to result in an absent or disrupted protein product. Loss-of-function variants in BRCA1 are known to be pathogenic (PMID: 20104584). This variant is not present in population databases (gnomAD no frequency). This premature translational stop signal has been observed in individual(s) with hereditary breast and ovarian cancer (PMID: 9836072, 29446198, 30702160, 31815095). This variant is also known as 2178C>T. ClinVar contains an entry for this variant (Variation ID: 54448). For these reasons, this variant has been classified as Pathogenic.

Baylor Genetics
Classification: Pathogenic for Breast-ovarian cancer, familial, susceptibility to, 1. Last evaluated: 2024-03-29. Review status: criteria provided, single submitter. Criteria: ACMG Guidelines, 2015. Collection method: clinical testing. Allele origin: unknown. Not counted in ClinVar's aggregate classification.

Ambry Genetics
Classification: Pathogenic for Hereditary cancer-predisposing syndrome. Last evaluated: 2023-01-25. Review status: criteria provided, single submitter. Criteria: Ambry Variant Classification Scheme 2023. Collection method: clinical testing. Allele origin: germline. Not counted in ClinVar's aggregate classification.
Comment: The p.Q687* pathogenic mutation (also known as c.2059C>T), located in coding exon 9 of the BRCA1 gene, results from a C to T substitution at nucleotide position 2059. This changes the amino acid from a glutamine to a stop codon within coding exon 9. This alteration has been reported in multiple Asian hereditary breast and ovarian cancer (HBOC) syndrome families (Worsham MJ et al. Diagn. Mol. Pathol. 1998 Jun;7:164-7; Hasmad HN et al. Gynecol. Oncol. 2016 May;141:318-22; Zhong X et al. PLoS ONE. 2016 Jun;11:e0156789). Of note, this mutation is also designated as 2178C>T in published literature. This variant is considered to be rare based on population cohorts in the Genome Aggregation Database (gnomAD). In addition to the clinical data presented in the literature, this alteration is expected to result in loss of function by premature protein truncation or nonsense-mediated mRNA decay. As such, this alteration is interpreted as a disease-causing mutation.

Dasa
Classification: Pathogenic for Breast-ovarian cancer, familial, susceptibility to, 1. Last evaluated: 2022-04-10. Review status: criteria provided, single submitter. Criteria: ACMG Guidelines, 2015. Collection method: clinical testing. Allele origin: germline. Affected: yes. Observed: 1 variant allele. Not counted in ClinVar's aggregate classification.
Comment: The c.2059C>T;p.(Gln687*) variant creates a premature translational stop signal in the BRCA1 gene. It is expected to result in an absent or disrupted protein product -PVS1. This sequence change has been observed in affected individual(s) and ClinVar contains an entry for this variant (Clinvar ID: 54448; PMID: 27257965; 26541979; 26187060; 9836072) - PS4. This variant is not present in population databases (rs273898674- gnomAD; ABraOM no frequency) - PM2. The variant co-segregated with disease in multiple affected family members (PMID: 9836072) - PP1. In summary, the currently available evidence indicates that the variant is pathogenic

Color Diagnostics, LLC DBA Color Health
Classification: Pathogenic for Hereditary cancer-predisposing syndrome. Last evaluated: 2020-01-15. Review status: criteria provided, single submitter. Criteria: ACMG Guidelines, 2015. Collection method: clinical testing. Allele origin: germline. Not counted in ClinVar's aggregate classification.
Comment: This variant changes 1 nucleotide in exon 10 of the BRCA1 gene, creating a premature translation stop signal. This variant is expected to result in an absent or non-functional protein product. This variant has not been identified in the general population by the Genome Aggregation Database (gnomAD). Loss of BRCA1 function is a known mechanism of disease. Based on the available evidence, this variant is classified as Pathogenic.

Quest Diagnostics Nichols Institute San Juan Capistrano
Classification: Pathogenic for Breast-ovarian cancer, familial, susceptibility to, 1. Last evaluated: 2016-05-06. Review status: criteria provided, single submitter. Criteria: Quest Diagnostics criteria. Collection method: clinical testing. Allele origin: germline. Inheritance: Autosomal dominant inheritance. Not counted in ClinVar's aggregate classification.

Laboratory of Molecular Diagnosis of Cancer, West China Hospital, Sichuan University
Classification: Pathogenic for Breast neoplasm. Last evaluated: 2015-11-01. Review status: criteria provided, single submitter. Criteria: ACMG Guidelines, 2015. Collection method: research. Allele origin: germline. Affected: yes. Observed: 1 variant allele. Not counted in ClinVar's aggregate classification.

Consortium of Investigators of Modifiers of BRCA1/2 (CIMBA), c/o University of Cambridge
Classification: Pathogenic for Breast-ovarian cancer, familial, susceptibility to, 1. Last evaluated: 2015-10-02. Review status: criteria provided, single submitter. Criteria: CIMBA Mutation Classification guidelines May 2016. Collection method: clinical testing. Allele origin: germline. Not counted in ClinVar's aggregate classification.

Breast Cancer Information Core (BIC) (BRCA1)
Classification: Pathogenic for Breast-ovarian cancer, familial 1. Last evaluated: 2002-05-29. Review status: no assertion criteria provided. Collection method: clinical testing. Allele origin: germline. Affected: yes. Observed: 1 variant allele. Not counted in ClinVar's aggregate classification.

Department of Pathology and Laboratory Medicine, Sinai Health System
Classification: Pathogenic for Malignant tumor of breast. Review status: no assertion criteria provided. Collection method: clinical testing. Allele origin: unknown. Affected: yes. Observed: 1 variant allele. Study: The Canadian Open Genetics Repository (COGR). Not counted in ClinVar's aggregate classification.
Comment: The BRCA1 p.Gln687X variant was not identified in the literature nor was it identified in the Cosmic, MutDB, UMD-LSDB, or Zhejiang University Database. The variant was identified in dbSNP (ID: rs273898674) as â€šÃ„ÃºWith Pathogenic alleleâ€šÃ„Ã¹, in ClinVar (classified as pathogenic, reviewed by an expert panel 2016, submitters: ENIGMA, CIMBA, Ambry Genetics, BIC, Laboratory of Molecular Diagnosis of Cancer - West China Hospital, Sichuan University and Quest Diagnostics Nichols Institute San Juan Capistrano), in Clinvitae (2x), GeneInsight-COGR (5 clinical laboratories classified as pathogenic), LOVD 3.0 (1x), BIC Database (1x pathogenic), and ARUP Laboratories (definitely pathogenic). The variant was not identified in the following control databases: the 1000 Genomes Project, the NHLBI GO Exome Sequencing Project, the Exome Aggregation Consortium (August 8th 2016), or the Genome Aggregation Database (Feb 27, 2017). The p.Gln687X variant leads to a premature stop codon at position 687 which is predicted to lead to a truncated or absent protein and loss of function. Loss of function variants of the BRCA1 gene are an established mechanism of disease in breast cancer and is the type of variant expected to cause the disorder. In summary, based on the above information, this variant meets our laboratoryâ€šÃ„Ã´s criteria to be classified as pathogenic.

Literature cited by the submitters: PubMed 20104584 (cited by Labcorp Genetics (formerly Invitae), Labcorp); PubMed 9836072 (cited by 4 submitters); PubMed 29446198 (cited by Labcorp Genetics (formerly Invitae), Labcorp); PubMed 30702160 (cited by Labcorp Genetics (formerly Invitae), Labcorp); PubMed 31815095 (cited by Labcorp Genetics (formerly Invitae), Labcorp); PubMed 26541979 (cited by 3 submitters); PubMed 27257965 (cited by 3 submitters); PubMed 26187060 (cited by Dasa and Quest Diagnostics Nichols Institute San Juan Capistrano); PubMed 25525159 (cited by Quest Diagnostics Nichols Institute San Juan Capistrano); PubMed 26295337 (cited by Quest Diagnostics Nichols Institute San Juan Capistrano).

NM_007294.4(BRCA1):c.2059C>T (p.Gln687Ter)

Gene: BRCA1 (BRCA1 DNA repair associated; minus strand). Cytogenetic location: 17q21.31.
Variant type: single nucleotide variant.
Coding change: c.2059C>T on transcript NM_007294.4 (MANE Select); coding-DNA position 2059, C replaced by T.
Protein change: p.Gln687Ter; replaces glutamine 687 with a stop codon.
Molecular consequence: nonsense. On other transcripts: intron variant (137).
Genome position (GRCh38, 1-based): chr17:43,093,472, G>A on the plus strand (C>T on the coding strand, the complement: BRCA1 is on the minus strand). VCF-style: chr17-43093472-G-A. GRCh37 (hg19) VCF-style: chr17-41245489-G-A.
Other names: c.1846C>T, p.Gln616Ter (NM_001407571.1, NM_001407853.1, NM_001407894.1 and 9 more transcripts); c.2059C>T, p.Gln687Ter (NM_001407581.1, NM_001407582.1, NM_001407583.1 and 30 more transcripts); c.2056C>T, p.Gln686Ter (NM_001407587.1, NM_001407590.1, NM_001407591.1 and 22 more transcripts); c.2050C>T, p.Gln684Ter (NM_001407646.1, NM_001407647.1); c.1936C>T, p.Gln646Ter (NM_001407648.1, NM_001407664.1, NM_001407665.1 and 19 more transcripts); c.1933C>T, p.Gln645Ter (NM_001407649.1, NM_001407670.1, NM_001407671.1 and 11 more transcripts); c.1981C>T, p.Gln661Ter (NM_001407653.1, NM_001407654.1, NM_001407655.1 and 4 more transcripts); c.1978C>T, p.Gln660Ter (NM_001407659.1, NM_001407660.1, NM_001407661.1 and 1 more transcripts); and 40 more; short protein forms Q687*, Q640*, Q575*, Q619*, Q684*, Q391*, Q616*, Q639*.
Identifiers: ClinVar variation 54448 (VCV000054448.27), dbSNP rs273898674, ClinGen allele CA001363.